The following is an entry in ClinVar:

ClinVar aggregate classification (germline): Conflicting classifications of pathogenicity. Review status: criteria provided, conflicting classifications (1 of 4 stars). 2 submissions from 2 submitters: Uncertain significance (1); Likely benign (1). Last evaluated 2024-11-12.

Allele frequency attached by ClinVar (database versions not stated): ExAC 0.00001; gnomAD 0.00001; gnomAD exomes 0.00001.
gnomAD v4.1: 15 of 1,613,920 alleles (0.00093%); highest among the groups gnomAD compares: Non-Finnish European, 0.0012%; no homozygotes.

Submissions (2):

Labcorp Genetics (formerly Invitae), Labcorp
Classification: Uncertain significance. Last evaluated: 2024-11-12. Review status: criteria provided, single submitter. Criteria: Invitae Variant Classification Sherloc (09022015). Collection method: clinical testing. Allele origin: germline.
Comment: This sequence change replaces asparagine, which is neutral and polar, with serine, which is neutral and polar, at codon 118 of the MTOR protein (p.Asn118Ser). This variant is present in population databases (rs771585496, gnomAD 0.003%). This variant has not been reported in the literature in individuals affected with MTOR-related conditions. ClinVar contains an entry for this variant (Variation ID: 2638235). Invitae Evidence Modeling of protein sequence and biophysical properties (such as structural, functional, and spatial information, amino acid conservation, physicochemical variation, residue mobility, and thermodynamic stability) indicates that this missense variant is not expected to disrupt MTOR protein function with a negative predictive value of 95%. In summary, the available evidence is currently insufficient to determine the role of this variant in disease. Therefore, it has been classified as a Variant of Uncertain Significance.

CeGaT Center for Human Genetics Tuebingen
Classification: Likely benign. Last evaluated: 2023-10-01. Review status: criteria provided, single submitter. Criteria: CeGaT Center For Human Genetics Tuebingen Variant Classification Criteria Version 2. Collection method: clinical testing. Allele origin: germline. Affected: yes. Observed: 1 variant allele.
Comment: MTOR: BP4

NM_004958.4(MTOR):c.353A>G (p.Asn118Ser)

Gene: MTOR (mechanistic target of rapamycin kinase; minus strand). Cytogenetic location: 1p36.22.
Variant type: single nucleotide variant.
Coding change: c.353A>G on transcript NM_004958.4 (MANE Select); coding-DNA position 353, A replaced by G.
Protein change: p.Asn118Ser; replaces asparagine 118 with serine.
Molecular consequence: missense variant. On other transcripts: 5 prime UTR variant (1).
Genome position (GRCh38, 1-based): chr1:11,257,084, T>C on the plus strand (A>G on the coding strand, the complement: MTOR is on the minus strand). VCF-style: chr1-11257084-T-C. GRCh37 (hg19) VCF-style: chr1-11317141-T-C.
Other names: c.353A>G, p.Asn118Ser (NM_001386500.1); c.-787A>G (NM_001386501.1); short protein forms N118S.
Identifiers: ClinVar variation 2638235 (VCV002638235.26), dbSNP rs771585496, ClinGen allele CA590956.
Genomic context (GRCh38, chr1:11,257,084, plus strand): 5'-TCCCCTGCCATGGCAAGACGGCCAATGGCCTTGGATGCCATTTCCATGACAACTGGGTCA[T>C]TGGAGGGGAGGAGGTTCCGAAGATAGTTGGCAAATCTGCCAATTCGGGTGGCATTCCCAC-3'
Protein context (NP_004949.1, residues 108-128): ANYLRNLLPS[Asn118Ser]DPVVMEMASK